The following is an entry in ClinVar:

NM_000057.4(BLM):c.1493A>G (p.Lys498Arg)

Gene: BLM (BLM RecQ like helicase; plus strand). Cytogenetic location: 15q26.1.
Variant type: single nucleotide variant.
Coding change: c.1493A>G on transcript NM_000057.4 (MANE Select); coding-DNA position 1493, A replaced by G.
Protein change: p.Lys498Arg; replaces lysine 498 with arginine.
Molecular consequence: missense variant.
Genome position (GRCh38, 1-based): chr15:90,760,866, A>G. VCF-style: chr15-90760866-A-G. GRCh37 (hg19) VCF-style: chr15-91304096-A-G.
Other names: c.1493A>G, p.Lys498Arg (NM_001287246.2, NM_001287247.2); c.368A>G, p.Lys123Arg (NM_001287248.2); short protein forms K498R, K123R.
Identifiers: ClinVar variation 2302424 (VCV002302424.4), dbSNP rs749164590, ClinGen allele CA7738545.

ClinVar aggregate classification (germline): Uncertain significance. Review status: criteria provided, multiple submitters, no conflicts (2 of 4 stars). 2 submissions from 2 submitters: Uncertain significance (2). Last evaluated 2025-04-29.

Conditions:
Hereditary cancer-predisposing syndrome. Also called: Hereditary Cancer Syndrome; Hereditary neoplastic syndrome; Neoplastic Syndromes, Hereditary; Tumor predisposition. Identifiers: Orphanet 140162, MedGen C0027672, MeSH D009386, MONDO:0015356.
Bloom syndrome (BLM). Also called: Bloom-Torre-Machacek syndrome. Identifiers: Orphanet 125, MedGen C0005859, MONDO:0008876, OMIM 210900.

Allele frequency attached by ClinVar (database versions not stated): gnomAD exomes below 0.00001; ExAC 0.00001.
gnomAD v4.1: 1 of 1,614,096 alleles (0.000062%); highest among the groups gnomAD compares: Non-Finnish European, 0.000085%; no homozygotes.

Submissions (2):

Labcorp Genetics (formerly Invitae), Labcorp
Classification: Uncertain significance for Bloom syndrome. Last evaluated: 2025-04-29. Review status: criteria provided, single submitter. Criteria: Invitae Variant Classification Sherloc (09022015). Collection method: clinical testing. Allele origin: germline.
Comment: This sequence change replaces lysine, which is basic and polar, with arginine, which is basic and polar, at codon 498 of the BLM protein (p.Lys498Arg). This variant is present in population databases (rs749164590, gnomAD 0.0009%). This variant has not been reported in the literature in individuals affected with BLM-related conditions. ClinVar contains an entry for this variant (Variation ID: 2302424). Invitae Evidence Modeling of protein sequence and biophysical properties (such as structural, functional, and spatial information, amino acid conservation, physicochemical variation, residue mobility, and thermodynamic stability) indicates that this missense variant is not expected to disrupt BLM protein function with a negative predictive value of 80%. In summary, the available evidence is currently insufficient to determine the role of this variant in disease. Therefore, it has been classified as a Variant of Uncertain Significance.

Ambry Genetics
Classification: Uncertain significance for Hereditary cancer-predisposing syndrome. Last evaluated: 2022-07-19. Review status: criteria provided, single submitter. Criteria: Ambry Variant Classification Scheme 2023. Collection method: clinical testing. Allele origin: germline.